The following is an entry in ClinVar:

NM_000548.5(TSC2):c.2209C>G (p.Leu737Val)

Gene: TSC2 (TSC complex subunit 2; plus strand). Cytogenetic location: 16p13.3.
Variant type: single nucleotide variant.
Coding change: c.2209C>G on transcript NM_000548.5 (MANE Select); coding-DNA position 2209, C replaced by G.
Protein change: p.Leu737Val; replaces leucine 737 with valine.
Molecular consequence: missense variant.
Genome position (GRCh38, 1-based): chr16:2,072,352, C>G. VCF-style: chr16-2072352-C-G. GRCh37 (hg19) VCF-style: chr16-2122353-C-G.
Other names: c.2209C>G (NM_000548.3); c.2209C>G, p.Leu737Val (NM_001077183.3, NM_001114382.3, NM_001363528.2 and 3 more transcripts); c.2098C>G, p.Leu700Val (NM_001318827.2); c.2062C>G, p.Leu688Val (NM_001318829.2); c.1609C>G, p.Leu537Val (NM_001318831.2); c.2242C>G, p.Leu748Val (NM_001318832.2); short protein forms L748V, L537V, L688V, L737V, L700V.
Identifiers: ClinVar variation 1507695 (VCV001507695.9), dbSNP rs1485034650, ClinGen allele CA394275119.

ClinVar aggregate classification (germline): Conflicting classifications of pathogenicity. Review status: criteria provided, conflicting classifications (1 of 4 stars). 2 submissions from 2 submitters: Uncertain significance (1); Likely benign (1). Last evaluated 2025-12-22.

Conditions:
Hereditary cancer-predisposing syndrome. Also called: Neoplastic Syndromes, Hereditary; Hereditary Cancer Syndrome; Tumor predisposition; Hereditary neoplastic syndrome. Identifiers: Orphanet 140162, MedGen C0027672, MeSH D009386, MONDO:0015356.
Tuberous sclerosis 2 (TSC2). Identifiers: Orphanet 805, MedGen C1860707, MONDO:0013199, OMIM 613254.

Allele frequency attached by ClinVar (database versions not stated): gnomAD exomes below 0.00001.
gnomAD v4.1: 5 of 1,614,110 alleles (0.00031%); highest among the groups gnomAD compares: Non-Finnish European, 0.00042%; no homozygotes.

Submissions (2):

Labcorp Genetics (formerly Invitae), Labcorp
Classification: Likely benign for Tuberous sclerosis 2. Last evaluated: 2025-12-22. Review status: criteria provided, single submitter. Criteria: Invitae Variant Classification Sherloc (09022015). Collection method: clinical testing. Allele origin: germline.

Ambry Genetics
Classification: Uncertain significance for Hereditary cancer-predisposing syndrome. Last evaluated: 2025-08-22. Review status: criteria provided, single submitter. Criteria: Ambry Variant Classification Scheme 2023. Collection method: clinical testing. Allele origin: germline.
Comment: The p.L737V variant (also known as c.2209C>G), located in coding exon 19 of the TSC2 gene, results from a C to G substitution at nucleotide position 2209. The leucine at codon 737 is replaced by valine, an amino acid with highly similar properties. This amino acid position is highly conserved in available vertebrate species. In addition, this alteration is predicted to be deleterious by in silico analysis. Based on the available evidence, the clinical significance of this variant remains unclear.